The following is an entry in ClinVar:

ClinVar aggregate classification (germline): Conflicting classifications of pathogenicity. Review status: criteria provided, conflicting classifications (1 of 4 stars). 3 submissions from 3 submitters: Uncertain significance (2); Benign (1). Last evaluated 2025-09-09.

Conditions:
Familial adenomatous polyposis 2. Also called: COLORECTAL ADENOMATOUS POLYPOSIS, AUTOSOMAL RECESSIVE; ADENOMAS, MULTIPLE COLORECTAL, AUTOSOMAL RECESSIVE; Adenomas, multiple colorectal; MYH-associated polyposis; MUTYH-associated polyposis; MUTYH-related attenuated familial adenomatous polyposis. Identifiers: Orphanet 220460, Orphanet 247798, MedGen C3272841, MONDO:0012041, OMIM 608456.
Hereditary cancer-predisposing syndrome. Also called: Neoplastic Syndromes, Hereditary; Tumor predisposition; Hereditary Cancer Syndrome; Hereditary neoplastic syndrome. Identifiers: Orphanet 140162, MedGen C0027672, MeSH D009386, MONDO:0015356.

Submissions (3):

Ambry Genetics
Classification: Benign for Hereditary cancer-predisposing syndrome. Last evaluated: 2025-09-09. Review status: criteria provided, single submitter. Criteria: Ambry Variant Classification Scheme 2023. Collection method: clinical testing. Allele origin: germline.

Labcorp Genetics (formerly Invitae), Labcorp
Classification: Uncertain significance for Familial adenomatous polyposis 2. Last evaluated: 2024-12-12. Review status: criteria provided, single submitter. Criteria: Invitae Variant Classification Sherloc (09022015). Collection method: clinical testing. Allele origin: germline.
Comment: This sequence change replaces glutamine, which is neutral and polar, with histidine, which is basic and polar, at codon 71 of the MUTYH protein (p.Gln71His). This variant is not present in population databases (gnomAD no frequency). This variant has not been reported in the literature in individuals affected with MUTYH-related conditions. ClinVar contains an entry for this variant (Variation ID: 2011291). An algorithm developed to predict the effect of missense changes on protein structure and function (PolyPhen-2) suggests that this variant is likely to be tolerated. In summary, the available evidence is currently insufficient to determine the role of this variant in disease. Therefore, it has been classified as a Variant of Uncertain Significance.

Baylor Genetics
Classification: Uncertain significance for Familial adenomatous polyposis 2. Last evaluated: 2024-02-06. Review status: criteria provided, single submitter. Criteria: ACMG Guidelines, 2015. Collection method: clinical testing. Allele origin: unknown.

NM_001048174.2(MUTYH):c.129G>C (p.Gln43His)

Gene: MUTYH (mutY DNA glycosylase; minus strand). Cytogenetic location: 1p34.1.
Variant type: single nucleotide variant.
Coding change: c.129G>C on transcript NM_001048174.2 (MANE Select); coding-DNA position 129, G replaced by C.
Protein change: p.Gln43His; replaces glutamine 43 with histidine.
Molecular consequence: missense variant. On other transcripts: non-coding transcript variant (2), 5 prime UTR variant (1), intron variant (3).
Genome position (GRCh38, 1-based): chr1:45,333,548, C>G on the plus strand (G>C on the coding strand, the complement: MUTYH is on the minus strand). VCF-style: chr1-45333548-C-G. GRCh37 (hg19) VCF-style: chr1-45799220-C-G.
Other names: c.132G>C, p.Gln44His (NM_001407079.1, NM_001407086.1, NM_001048172.2 and 2 more transcripts); c.129G>C, p.Gln43His (NM_001407080.1, NM_001407081.1, NM_001407088.1 and 6 more transcripts); c.171G>C, p.Gln57His (NM_001407083.1, NM_001407085.1, NM_001407073.1); c.150G>C, p.Gln50His (NM_001407087.1); c.204G>C, p.Gln68His (NM_012222.3, NM_001407069.1); c.213G>C, p.Gln71His (NM_001128425.2); c.174G>C, p.Gln58His (NM_001293190.2); c.162G>C, p.Gln54His (NM_001293191.2, NM_001407077.1); and 4 more; short protein forms Q44H, Q54H, Q58H, Q43H, Q71H, Q15H, Q50H, Q57H.
Identifiers: ClinVar variation 2011291 (VCV002011291.8), dbSNP rs2149175874, ClinGen allele CA340136668.